The following is an entry in ClinVar:

NM_000400.4(ERCC2):c.2195A>G (p.Asp732Gly)

Gene: ERCC2 (ERCC excision repair 2, TFIIH core complex helicase subunit; minus strand). Cytogenetic location: 19q13.32.
Variant type: single nucleotide variant.
Coding change: c.2195A>G on transcript NM_000400.4 (MANE Select); coding-DNA position 2195, A replaced by G.
Protein change: p.Asp732Gly; replaces aspartic acid 732 with glycine.
Molecular consequence: missense variant.
Genome position (GRCh38, 1-based): chr19:45,351,717, T>C on the plus strand (A>G on the coding strand, the complement: ERCC2 is on the minus strand). VCF-style: chr19-45351717-T-C. GRCh37 (hg19) VCF-style: chr19-45854975-T-C.
Other names: short protein forms D732G.
Identifiers: ClinVar variation 1319434 (VCV001319434.13), dbSNP rs201828535, ClinGen allele CA9512816.

ClinVar aggregate classification (germline): Conflicting classifications of pathogenicity. Review status: criteria provided, conflicting classifications (1 of 4 stars). 5 submissions from 4 submitters: Uncertain significance (3); Likely benign (2). Last evaluated 2026-01-19.

Conditions:
ERCC2-related disorder. Also called: ERCC2-related disorders; ERCC2-related conditions; ERCC2-related condition. Identifiers: MedGen CN239291.
Cerebrooculofacioskeletal syndrome 2 (COFS2). Identifiers: MedGen C1853102, MONDO:0012553, OMIM 610756.
Trichothiodystrophy 1, photosensitive (TTD1). Also called: TAY SYNDROME; TRICHOTHIODYSTROPHY WITH CONGENITAL ICHTHYOSIS; PIBIDS SYNDROME. Identifiers: Orphanet 33364, MedGen C1866504, MONDO:0011125, OMIM 601675.

Allele frequency attached by ClinVar (database versions not stated): gnomAD 0.00009 and 0.00011; gnomAD exomes 0.00009 and 0.00021; ExAC 0.00010; TOPMed 0.00011.
gnomAD v4.1: 153 of 1,613,550 alleles (0.0095%); highest among the groups gnomAD compares: Admixed American, 0.015%; no homozygotes.

Submissions (5):

Labcorp Genetics (formerly Invitae), Labcorp
Classification: Likely benign. Last evaluated: 2026-01-19. Review status: criteria provided, single submitter. Criteria: Invitae Variant Classification Sherloc (09022015). Collection method: clinical testing. Allele origin: germline.

PreventionGenetics, part of Exact Sciences
Classification: Likely benign for ERCC2-related condition. Last evaluated: 2025-12-11. Review status: criteria provided, single submitter. Criteria: ACMG Guidelines, 2015. Collection method: clinical testing. Allele origin: germline.
Comment: This variant is classified as likely benign based on ACMG/AMP sequence variant interpretation guidelines (Richards et al. 2015 PMID: 25741868, with internal and published modifications).

Baylor Genetics
Classification: Uncertain significance for Cerebrooculofacioskeletal syndrome 2. Last evaluated: 2023-11-10. Review status: criteria provided, single submitter. Criteria: ACMG Guidelines, 2015. Collection method: clinical testing. Allele origin: unknown.

Institute for Clinical Genetics, University Hospital TU Dresden, University Hospital TU Dresden
Classification: Uncertain significance. Last evaluated: 2021-11-03. Review status: criteria provided, single submitter. Criteria: ACMG Guidelines, 2015. Collection method: clinical testing. Allele origin: germline.

Baylor Genetics
Classification: Uncertain significance for Trichothiodystrophy 1, photosensitive. Last evaluated: 2021-03-03. Review status: criteria provided, single submitter. Criteria: ACMG Guidelines, 2015. Collection method: clinical testing. Allele origin: unknown. Affected: yes. Study: CSER-TexasKidsCanSeq.
Comment: This variant was determined to be of uncertain significance according to ACMG Guidelines, 2015 [PMID:25741868].